The following is an entry in ClinVar:

ClinVar aggregate classification (germline): Uncertain significance. Review status: criteria provided, multiple submitters, no conflicts (2 of 4 stars). 2 submissions from 2 submitters: Uncertain significance (2). Last evaluated 2025-06-23.

Conditions:
LAMA2-related muscular dystrophy (LAMA2-RD). Also called: Laminin alpha 2-related dystrophy. Identifiers: MedGen C5679788, MONDO:0100228.
Inborn genetic diseases. Identifiers: MedGen C0950123, MeSH D030342.

Allele frequency attached by ClinVar (database versions not stated): gnomAD exomes below 0.00001.
gnomAD v4.1: 5 of 1,613,852 alleles (0.00031%); highest among the groups gnomAD compares: Admixed American, 0.0017%; no homozygotes.

Submissions (2):

Ambry Genetics
Classification: Uncertain significance for Inborn genetic diseases. Last evaluated: 2025-06-23. Review status: criteria provided, single submitter. Criteria: Ambry Variant Classification Scheme 2023. Collection method: clinical testing. Allele origin: germline.

Labcorp Genetics (formerly Invitae), Labcorp
Classification: Uncertain significance for LAMA2-related muscular dystrophy. Last evaluated: 2022-02-04. Review status: criteria provided, single submitter. Criteria: Invitae Variant Classification Sherloc (09022015). Collection method: clinical testing. Allele origin: germline.
Comment: This sequence change replaces alanine, which is neutral and non-polar, with valine, which is neutral and non-polar, at codon 1805 of the LAMA2 protein (p.Ala1805Val). This variant is present in population databases (no rsID available, gnomAD 0.003%). This variant has not been reported in the literature in individuals affected with LAMA2-related conditions. ClinVar contains an entry for this variant (Variation ID: 838909). Advanced modeling of protein sequence and biophysical properties (such as structural, functional, and spatial information, amino acid conservation, physicochemical variation, residue mobility, and thermodynamic stability) performed at Invitae indicates that this missense variant is not expected to disrupt LAMA2 protein function. In summary, the available evidence is currently insufficient to determine the role of this variant in disease. Therefore, it has been classified as a Variant of Uncertain Significance.

NM_000426.4(LAMA2):c.5414C>T (p.Ala1805Val)

Gene: LAMA2 (laminin subunit alpha 2; plus strand). Cytogenetic location: 6q22.33.
Variant type: single nucleotide variant.
Coding change: c.5414C>T on transcript NM_000426.4 (MANE Select); coding-DNA position 5414, C replaced by T.
Protein change: p.Ala1805Val; replaces alanine 1805 with valine.
Molecular consequence: missense variant.
Genome position (GRCh38, 1-based): chr6:129,393,224, C>T. VCF-style: chr6-129393224-C-T. GRCh37 (hg19) VCF-style: chr6-129714369-C-T.
Other names: c.5414C>T, p.Ala1805Val (NM_001079823.2); short protein forms A1805V.
Identifiers: ClinVar variation 838909 (VCV000838909.8), dbSNP rs1172690442, ClinGen allele CA365614946.